The following is an entry in ClinVar:

NM_002439.5(MSH3):c.1910A>G (p.Glu637Gly)

Gene: MSH3 (mutS homolog 3; plus strand). Cytogenetic location: 5q14.1.
Variant type: single nucleotide variant.
Coding change: c.1910A>G on transcript NM_002439.5 (MANE Select); coding-DNA position 1910, A replaced by G.
Protein change: p.Glu637Gly; replaces glutamic acid 637 with glycine.
Molecular consequence: missense variant.
Genome position (GRCh38, 1-based): chr5:80,767,946, A>G. VCF-style: chr5-80767946-A-G. GRCh37 (hg19) VCF-style: chr5-80063765-A-G.
Other names: short protein forms E637G.
Identifiers: ClinVar variation 641869 (VCV000641869.14), dbSNP rs376488647, ClinGen allele CA3328099.

ClinVar aggregate classification (germline): Uncertain significance. Review status: criteria provided, multiple submitters, no conflicts (2 of 4 stars). 7 submissions from 7 submitters: Uncertain significance (7). Last evaluated 2025-08-11.

Conditions:
Hereditary cancer-predisposing syndrome. Also called: Neoplastic Syndromes, Hereditary; Tumor predisposition; Hereditary neoplastic syndrome; Hereditary Cancer Syndrome. Identifiers: Orphanet 140162, MedGen C0027672, MeSH D009386, MONDO:0015356.
Familial adenomatous polyposis 4 (FAP4). Also called: MSH3-related attenuated familial adenomatous polyposis. Identifiers: Orphanet 480536, MedGen C4310719, MONDO:0044300, OMIM 617100.
Endometrial carcinoma. Also called: Endometrial carcinoma, somatic. Identifiers: MedGen C0476089, MONDO:0002447, OMIM 608089, HP:0012114.

Allele frequency attached by ClinVar (database versions not stated): TOPMed 0.00002; ESP Exome Variant Server 0.00008.
gnomAD v4.1: 61 of 1,609,760 alleles (0.0038%); highest among the groups gnomAD compares: Non-Finnish European, 0.0052%; no homozygotes.

Submissions (7):

Quest Diagnostics Nichols Institute San Juan Capistrano
Classification: Uncertain significance. Last evaluated: 2025-08-11. Review status: criteria provided, single submitter. Criteria: Quest Diagnostics criteria. Collection method: clinical testing. Allele origin: unknown.
Comment: The MSH3 c.1910A>G (p.Glu637Gly) variant has not been reported in individuals with MSH3-related conditions in the published literature. The frequency of this variant in the general population (Genome Aggregation Database) is uninformative in the assessment of its pathogenicity. Analysis of this variant using bioinformatics tools for the prediction of the effect of amino acid changes on protein structure and function yielded predictions that this variant is damaging. Based on the available information, we are unable to determine the clinical significance of this variant.

Labcorp Genetics (formerly Invitae), Labcorp
Classification: Uncertain significance. Last evaluated: 2024-11-25. Review status: criteria provided, single submitter. Criteria: Invitae Variant Classification Sherloc (09022015). Collection method: clinical testing. Allele origin: germline.
Comment: This sequence change replaces glutamic acid, which is acidic and polar, with glycine, which is neutral and non-polar, at codon 637 of the MSH3 protein (p.Glu637Gly). This variant is present in population databases (rs376488647, gnomAD 0.007%). This variant has not been reported in the literature in individuals affected with MSH3-related conditions. ClinVar contains an entry for this variant (Variation ID: 641869). An algorithm developed to predict the effect of missense changes on protein structure and function (PolyPhen-2) suggests that this variant is likely to be disruptive. In summary, the available evidence is currently insufficient to determine the role of this variant in disease. Therefore, it has been classified as a Variant of Uncertain Significance.

Ambry Genetics
Classification: Uncertain significance for Hereditary cancer-predisposing syndrome. Last evaluated: 2024-10-30. Review status: criteria provided, single submitter. Criteria: Ambry Variant Classification Scheme 2023. Collection method: clinical testing. Allele origin: germline.
Comment: The p.E637G variant (also known as c.1910A>G), located in coding exon 14 of the MSH3 gene, results from an A to G substitution at nucleotide position 1910. The glutamic acid at codon 637 is replaced by glycine, an amino acid with similar properties. This amino acid position is highly conserved in available vertebrate species. In addition, this alteration is predicted to be deleterious by in silico analysis. Based on the available evidence, the clinical significance of this variant remains unclear.

Fulgent Genetics
Classification: Uncertain significance for Endometrial carcinoma; Familial adenomatous polyposis 4. Last evaluated: 2024-01-17. Review status: criteria provided, single submitter. Criteria: ACMG Guidelines, 2015. Collection method: clinical testing. Allele origin: germline.

Department of Pathology and Laboratory Medicine, Sinai Health System
Classification: Uncertain significance for Familial adenomatous polyposis 4. Last evaluated: 2023-11-13. Review status: criteria provided, single submitter. Criteria: ACMG Guidelines, 2015. Collection method: clinical testing. Allele origin: germline. Affected: yes.

Baylor Genetics
Classification: Uncertain significance for Endometrial carcinoma. Last evaluated: 2023-09-06. Review status: criteria provided, single submitter. Criteria: ACMG Guidelines, 2015. Collection method: clinical testing. Allele origin: unknown.

GeneDx
Classification: Uncertain significance. Last evaluated: 2023-03-15. Review status: criteria provided, single submitter. Criteria: GeneDx Variant Classification Process June 2021. Collection method: clinical testing. Allele origin: germline. Affected: yes.
Comment: Not observed at significant frequency in large population cohorts (gnomAD); In silico analysis supports that this missense variant has a deleterious effect on protein structure/function; Has not been previously published as pathogenic or benign to our knowledge